The following is an entry in ClinVar:

NM_001270508.2(TNFAIP3):c.1873A>G (p.Thr625Ala)

Gene: TNFAIP3 (TNF alpha induced protein 3; plus strand). Cytogenetic location: 6q23.3.
Variant type: single nucleotide variant.
Coding change: c.1873A>G on transcript NM_001270508.2 (MANE Select); coding-DNA position 1873, A replaced by G.
Protein change: p.Thr625Ala; replaces threonine 625 with alanine.
Molecular consequence: missense variant.
Genome position (GRCh38, 1-based): chr6:137,879,318, A>G. VCF-style: chr6-137879318-A-G. GRCh37 (hg19) VCF-style: chr6-138200455-A-G.
Other names: c.1873A>G, p.Thr625Ala (NM_001270507.2, NM_006290.4); short protein forms T625A.
Identifiers: ClinVar variation 4779983 (VCV004779983.1).
Genomic context (GRCh38, chr6:137,879,318, plus strand): 5'-AGCAAGTGCAGAAAAGCCGGCTGCGTGTATTTTGGGACTCCAGAAAACAAGGGCTTTTGC[A>G]CACTGTGTTTCATCGAGTACAGAGAAAACAAACGTGAGTGAAGTGGTTGACTTCCTAACA-3'
Protein context (NP_001257437.1, residues 615-635): FGTPENKGFC[Thr625Ala]LCFIEYRENK

ClinVar aggregate classification (germline): Uncertain significance (1 of 4 stars; one submission).

Submission:

Labcorp Genetics (formerly Invitae), Labcorp
Classification: Uncertain significance. Last evaluated: 2025-02-08. Review status: criteria provided, single submitter. Criteria: Invitae Variant Classification Sherloc (09022015). Collection method: clinical testing. Allele origin: germline.
Comment: This sequence change replaces threonine, which is neutral and polar, with alanine, which is neutral and non-polar, at codon 625 of the TNFAIP3 protein (p.Thr625Ala). This variant is not present in population databases (gnomAD no frequency). This variant has not been reported in the literature in individuals affected with TNFAIP3-related conditions. Invitae Evidence Modeling of protein sequence and biophysical properties (such as structural, functional, and spatial information, amino acid conservation, physicochemical variation, residue mobility, and thermodynamic stability) has been performed for this missense variant. However, the output from this modeling did not meet the statistical confidence thresholds required to predict the impact of this variant on TNFAIP3 protein function. In summary, the available evidence is currently insufficient to determine the role of this variant in disease. Therefore, it has been classified as a Variant of Uncertain Significance.